The following is an entry in ClinVar:

NM_001394372.1(BICRA):c.807C>A (p.Pro269=)

Gene: BICRA (BRD4 interacting chromatin remodeling complex associated protein; plus strand). Cytogenetic location: 19q13.33.
Variant type: single nucleotide variant.
Coding change: c.807C>A on transcript NM_001394372.1 (MANE Select); coding-DNA position 807, C replaced by A.
Protein change: p.Pro269=; no amino-acid change (proline 269 retained).
Molecular consequence: synonymous variant.
Genome position (GRCh38, 1-based): chr19:47,679,977, C>A. VCF-style: chr19-47679977-C-A. GRCh37 (hg19) VCF-style: chr19-48183234-C-A.
Other names: c.807C>A, p.Pro269= (NM_015711.3).
Identifiers: ClinVar variation 3250580 (VCV003250580.19), dbSNP rs374629203.

ClinVar aggregate classification (germline): Likely benign. Review status: criteria provided, multiple submitters, no conflicts (2 of 4 stars). 2 submissions from 2 submitters: Likely benign (2). Last evaluated 2026-03-01.

Allele frequency attached by ClinVar (database versions not stated): ESP Exome Variant Server 0.00020; ExAC 0.00094.
gnomAD v4.1: 842 of 1,482,256 alleles (0.057%); highest among the groups gnomAD compares: Non-Finnish European, 0.072%; 1 homozygote.

Submissions (2):

CeGaT Center for Human Genetics Tuebingen
Classification: Likely benign. Last evaluated: 2026-03-01. Review status: criteria provided, single submitter. Criteria: CeGaT Center For Human Genetics Tuebingen Variant Classification Criteria Version 2. Collection method: clinical testing. Allele origin: germline. Affected: yes. Observed: 2 variant alleles.
Comment: BICRA: BP4, BP7

Blueprint Genetics
Classification: Likely benign. Last evaluated: 2024-09-12. Review status: criteria provided, single submitter. Criteria: ACMG Guidelines, 2015. Collection method: clinical testing. Allele origin: germline.